The following is an entry in ClinVar:

ClinVar aggregate classification (germline): Benign/Likely benign. Review status: criteria provided, multiple submitters, no conflicts (2 of 4 stars). 3 submissions from 3 submitters: Benign (1); Likely benign (2). Last evaluated 2025-03-26.

Conditions:
Peutz-Jeghers syndrome (PJS). Also called: Peutz-Jeghers polyposis; Periorificial lentiginosis syndrome; POLYPOSIS, HAMARTOMATOUS INTESTINAL; POLYPS-AND-SPOTS SYNDROME. Identifiers: Orphanet 2869, MedGen C0031269, MeSH D010580, MONDO:0008280, OMIM 175200.
Hereditary cancer-predisposing syndrome. Also called: Hereditary neoplastic syndrome; Neoplastic Syndromes, Hereditary; Tumor predisposition; Hereditary Cancer Syndrome. Identifiers: Orphanet 140162, MedGen C0027672, MeSH D009386, MONDO:0015356.

Submissions (3):

Myriad Genetics, Inc.
Classification: Benign for Peutz-Jeghers syndrome. Last evaluated: 2025-03-26. Review status: criteria provided, single submitter. Criteria: Myriad Autosomal Dominant, Autosomal Recessive and X-Linked Classification Criteria (2023). Collection method: clinical testing. Allele origin: unknown.
Comment: This variant is considered benign. This variant is a silent/synonymous amino acid change and it is not expected to impact splicing.

Ambry Genetics
Classification: Likely benign for Hereditary cancer-predisposing syndrome. Last evaluated: 2024-09-18. Review status: criteria provided, single submitter. Criteria: Ambry Variant Classification Scheme 2023. Collection method: clinical testing. Allele origin: germline.

Labcorp Genetics (formerly Invitae), Labcorp
Classification: Likely benign for Peutz-Jeghers syndrome. Last evaluated: 2023-12-05. Review status: criteria provided, single submitter. Criteria: Invitae Variant Classification Sherloc (09022015). Collection method: clinical testing. Allele origin: germline.

NM_000455.5(STK11):c.549G>A (p.Leu183=)

Gene: STK11 (serine/threonine kinase 11; plus strand). Cytogenetic location: 19p13.3.
Variant type: single nucleotide variant.
Coding change: c.549G>A on transcript NM_000455.5 (MANE Select); coding-DNA position 549, G replaced by A.
Protein change: p.Leu183=; no amino-acid change (leucine 183 retained).
Molecular consequence: synonymous variant. On other transcripts: non-coding transcript variant (1).
Genome position (GRCh38, 1-based): chr19:1,220,457, G>A. VCF-style: chr19-1220457-G-A. GRCh37 (hg19) VCF-style: chr19-1220456-G-A.
Other names: c.549G>A, p.Leu183= (NM_001407255.1).
Identifiers: ClinVar variation 1977123 (VCV001977123.7), dbSNP rs1446789323, ClinGen allele CA504892325.